The following is an entry in ClinVar:

NM_001253697.2(ERBIN):c.3152C>T (p.Ala1051Val)

Gene: ERBIN (erbb2 interacting protein; plus strand). Cytogenetic location: 5q12.3.
Variant type: single nucleotide variant.
Coding change: c.3152C>T on transcript NM_001253697.2 (MANE Select); coding-DNA position 3152, C replaced by T.
Protein change: p.Ala1051Val; replaces alanine 1051 with valine.
Molecular consequence: missense variant.
Genome position (GRCh38, 1-based): chr5:66,054,470, C>T. VCF-style: chr5-66054470-C-T. GRCh37 (hg19) VCF-style: chr5-65350298-C-T.
Other names: c.3152C>T, p.Ala1051Val (NM_001006600.3, NM_001253698.2, NM_001253699.2 and 1 more transcripts); c.3140C>T, p.Ala1047Val (NM_001253701.2); short protein forms A1047V, A1051V.
Identifiers: ClinVar variation 1717505 (VCV001717505.5), dbSNP rs957429415, ClinGen allele CA119868514.
Genomic context (GRCh38, chr5:66,054,470, plus strand): 5'-CTAATCATAACAATGTTCGAGCTAATACTGCATACCATTTACATCAGAGACTTGGCCCAG[C>T]AAGACATGGGGAAATGTGGGCCATCTCACCAAACGACCGACTTATTCCTGCAGTAACTCG-3'
Protein context (NP_001240626.1, residues 1041-1061): AYHLHQRLGP[Ala1051Val]RHGEMWAISP

ClinVar aggregate classification (germline): Uncertain significance (1 of 4 stars; one submission).

gnomAD v4.1: 1 of 1,614,140 alleles (0.000062%); no homozygotes.

Submission:

Labcorp Genetics (formerly Invitae), Labcorp
Classification: Uncertain significance. Last evaluated: 2024-02-24. Review status: criteria provided, single submitter. Criteria: Invitae Variant Classification Sherloc (09022015). Collection method: clinical testing. Allele origin: germline.
Comment: This sequence change replaces alanine, which is neutral and non-polar, with valine, which is neutral and non-polar, at codon 1051 of the ERBIN protein (p.Ala1051Val). This variant is not present in population databases (gnomAD no frequency). This variant has not been reported in the literature in individuals affected with ERBIN-related conditions. ClinVar contains an entry for this variant (Variation ID: 1717505). An algorithm developed to predict the effect of missense changes on protein structure and function (PolyPhen-2) suggests that this variant is likely to be tolerated. In summary, the available evidence is currently insufficient to determine the role of this variant in disease. Therefore, it has been classified as a Variant of Uncertain Significance.